The following is an entry in ClinVar:

NM_000080.4(CHRNE):c.1220-5G>A

Gene: CHRNE (cholinergic receptor nicotinic epsilon subunit; minus strand). Cytogenetic location: 17p13.2.
Variant type: single nucleotide variant.
Coding change: c.1220-5G>A on transcript NM_000080.4 (MANE Select); 5 bases into the intron before coding-DNA position 1220, G replaced by A.
Molecular consequence: intron variant.
Genome position (GRCh38, 1-based): chr17:4,899,112, C>T on the plus strand (G>A on the coding strand, the complement: CHRNE is on the minus strand). VCF-style: chr17-4899112-C-T. GRCh37 (hg19) VCF-style: chr17-4802407-C-T.
Other names: p.?; c.1220-5G>A (LRG_1254t1).
Identifiers: ClinVar variation 323982 (VCV000323982.53), dbSNP rs188564977, ClinGen allele CA8313938.

ClinVar aggregate classification (germline): Benign/Likely benign. Review status: criteria provided, multiple submitters, no conflicts (2 of 4 stars). 6 submissions from 6 submitters: Benign (2); Likely benign (3). 1 of the submissions does not count toward it. Last evaluated 2026-02-04.

Conditions:
Congenital myasthenic syndrome 4A. Also called: CONGENITAL MYASTHENIC SYNDROME TYPE Ia1; Myasthenic syndrome, congenital, 4a, slow-channel; MYASTHENIC SYNDROME, CONGENITAL, 4A, SLOW-CHANNEL, AUTOSOMAL RECESSIVE. Identifiers: Orphanet 590, MedGen C4225413, MONDO:0011600, OMIM 605809.
Congenital myasthenic syndrome (CMS). Also called: Congenital Myasthenic Syndromes. Identifiers: Orphanet 590, MedGen C0751882, MeSH D020294, MONDO:0018940.

Allele frequency attached by ClinVar (database versions not stated): ExAC 0.00080; gnomAD 0.00267 and 0.00287; 1000 Genomes Project 0.00300; TOPMed 0.00306; 1000 Genomes Project 30x 0.00328; ESP Exome Variant Server 0.00342.
gnomAD v4.1: 888 of 1,606,098 alleles (0.055%); highest among the groups gnomAD compares: African/African-American, 0.88%; 3 homozygotes.

Submissions (6):

Labcorp Genetics (formerly Invitae), Labcorp
Classification: Benign for Congenital myasthenic syndrome 4A. Last evaluated: 2026-02-04. Review status: criteria provided, single submitter. Criteria: Invitae Variant Classification Sherloc (09022015). Collection method: clinical testing. Allele origin: germline.

CeGaT Center for Human Genetics Tuebingen
Classification: Likely benign. Last evaluated: 2025-04-01. Review status: criteria provided, single submitter. Criteria: CeGaT Center For Human Genetics Tuebingen Variant Classification Criteria Version 2. Collection method: clinical testing. Allele origin: germline. Affected: yes. Observed: 2 variant alleles.
Comment: CHRNE: BP4, BS2

Mayo Clinic Laboratories, Mayo Clinic
Classification: Benign. Last evaluated: 2024-02-15. Review status: criteria provided, single submitter. Criteria: ACMG Guidelines, 2015. Collection method: clinical testing. Allele origin: germline. Observed: 2 variant alleles.
Comment: BS1, BS2, BP4, BP7

GeneDx
Classification: Likely benign. Last evaluated: 2021-04-15. Review status: criteria provided, single submitter. Criteria: GeneDx Variant Classification Process June 2021. Collection method: clinical testing. Allele origin: germline. Affected: yes.

Illumina Laboratory Services, Illumina
Classification: Likely benign for Congenital myasthenic syndrome. Last evaluated: 2018-01-12. Review status: criteria provided, single submitter. Criteria: ICSL Variant Classification Criteria 13 December 2019. Collection method: clinical testing. Allele origin: germline.
Comment: This variant was observed in the ICSL laboratory as part of a predisposition screen in an ostensibly healthy population. It had not been previously curated by ICSL or reported in the Human Gene Mutation Database (HGMD: prior to June 1st, 2018), and was therefore a candidate for classification through an automated scoring system. Utilizing variant allele frequency, disease prevalence and penetrance estimates, and inheritance mode, an automated score was calculated to assess if this variant is too frequent to cause the disease. Based on the score and internal cut-off values, a variant classified as likely benign is not then subjected to further curation. The score for this variant resulted in a classification of likely benign for this disease.

Natera, Inc.
Classification: Likely benign for Congenital myasthenic syndrome. Last evaluated: 2019-10-25. Review status: no assertion criteria provided. Collection method: clinical testing. Allele origin: germline. Not counted in ClinVar's aggregate classification.